The following is an entry in ClinVar:

ClinVar aggregate classification (germline): Likely benign. Review status: criteria provided, multiple submitters, no conflicts (2 of 4 stars). 2 submissions from 2 submitters: Likely benign (2). Last evaluated 2025-10-03.

Conditions:
AARS1-related disorder. Also called: AARS1-related condition.
Charcot-Marie-Tooth disease type 2. Also called: Charcot-Marie-Tooth type 2. Identifiers: Orphanet 64746, MedGen C0270914, MONDO:0018993.

Allele frequency attached by ClinVar (database versions not stated): gnomAD exomes 0.00001; TOPMed 0.00002.
gnomAD v4.1: 16 of 1,603,158 alleles (0.001%); highest among the groups gnomAD compares: African/African-American, 0.0013%; no homozygotes.

Submissions (2):

PreventionGenetics, part of Exact Sciences
Classification: Likely benign for AARS1-related condition. Last evaluated: 2025-10-03. Review status: criteria provided, single submitter. Criteria: ACMG Guidelines, 2015. Collection method: clinical testing. Allele origin: germline.
Comment: This variant is classified as likely benign based on ACMG/AMP sequence variant interpretation guidelines (Richards et al. 2015 PMID: 25741868, with internal and published modifications).

Labcorp Genetics (formerly Invitae), Labcorp
Classification: Likely benign for Charcot-Marie-Tooth disease type 2. Last evaluated: 2024-05-02. Review status: criteria provided, single submitter. Criteria: Invitae Variant Classification Sherloc (09022015). Collection method: clinical testing. Allele origin: germline.

NM_001605.3(AARS1):c.1672-7C>G

Gene: AARS1 (alanyl-tRNA synthetase 1; minus strand). Cytogenetic location: 16q22.1.
Variant type: single nucleotide variant.
Coding change: c.1672-7C>G on transcript NM_001605.3 (MANE Select); 7 bases into the intron before coding-DNA position 1672, C replaced by G.
Molecular consequence: intron variant.
Genome position (GRCh38, 1-based): chr16:70,261,164, G>C on the plus strand (C>G on the coding strand, the complement: AARS1 is on the minus strand). VCF-style: chr16-70261164-G-C. GRCh37 (hg19) VCF-style: chr16-70295067-G-C.
Identifiers: ClinVar variation 476734 (VCV000476734.10), dbSNP rs1294076779, ClinGen allele CA623203853.
Genomic context (GRCh38, chr16:70,261,164, plus strand): 5'-GTGTAGCACATACCCTCCTCGGACCTGAGCATTCTTCACTGTAAACTCTGTTTTCTAAGA[G>C]GGGTCAAGGAAGAGACCAATAAATAAATCCTTAAAAACATACAAATTTTCTTATATTTTC-3'